The following is an entry in ClinVar:

NM_052844.4(DYNC2I2):c.806T>C (p.Val269Ala)

Genes: DYNC2I2 (dynein 2 intermediate chain 2; minus strand), LOC126860772 (CDK7 strongly-dependent group 2 enhancer GRCh37_chr9:131396972-131398171; plus strand). Cytogenetic location: 9q34.11.
Variant type: single nucleotide variant.
Coding change: c.806T>C on transcript NM_052844.4 (MANE Select); coding-DNA position 806, T replaced by C.
Protein change: p.Val269Ala; replaces valine 269 with alanine.
Molecular consequence: missense variant.
Genome position (GRCh38, 1-based): chr9:128,635,665, A>G on the plus strand (T>C on the coding strand, the complement: DYNC2I2 is on the minus strand). VCF-style: chr9-128635665-A-G. GRCh37 (hg19) VCF-style: chr9-131397944-A-G.
Other names: short protein forms V269A.
Identifiers: ClinVar variation 2018074 (VCV002018074.4), dbSNP rs754488103, ClinGen allele CA5266473.

ClinVar aggregate classification (germline): Uncertain significance (1 of 4 stars; one submission).

Conditions:
Short-rib thoracic dysplasia 11 with or without polydactyly (SRTD11). Also called: SHORT-RIB THORACIC DYSPLASIA 11 WITHOUT POLYDACTYLY. Identifiers: Orphanet 474, Orphanet 93271, MedGen C3810200, MONDO:0014287, OMIM 615633.

Allele frequency attached by ClinVar (database versions not stated): ExAC 0.00002.

Submission:

Labcorp Genetics (formerly Invitae), Labcorp
Classification: Uncertain significance for Short-rib thoracic dysplasia 11 with or without polydactyly. Last evaluated: 2022-07-19. Review status: criteria provided, single submitter. Criteria: Invitae Variant Classification Sherloc (09022015). Collection method: clinical testing. Allele origin: germline.
Comment: Algorithms developed to predict the effect of missense changes on protein structure and function (SIFT, PolyPhen-2, Align-GVGD) all suggest that this variant is likely to be disruptive. In summary, the available evidence is currently insufficient to determine the role of this variant in disease. Therefore, it has been classified as a Variant of Uncertain Significance. This variant has not been reported in the literature in individuals affected with WDR34-related conditions. This variant is present in population databases (rs754488103, gnomAD 0.006%). This sequence change replaces valine, which is neutral and non-polar, with alanine, which is neutral and non-polar, at codon 269 of the WDR34 protein (p.Val269Ala).